The following is an entry in ClinVar:

NM_020461.4(TUBGCP6):c.4167+1G>C

Gene: TUBGCP6 (tubulin gamma complex component 6; minus strand). Cytogenetic location: 22q13.33.
Variant type: single nucleotide variant.
Coding change: c.4167+1G>C on transcript NM_020461.4 (MANE Select); the canonical splice donor site of the intron after coding-DNA position 4167, G replaced by C.
Molecular consequence: splice donor variant.
Genome position (GRCh38, 1-based): chr22:50,219,956, C>G on the plus strand (G>C on the coding strand, the complement: TUBGCP6 is on the minus strand). VCF-style: chr22-50219956-C-G. GRCh37 (hg19) VCF-style: chr22-50658385-C-G.
Identifiers: ClinVar variation 969785 (VCV000969785.8), dbSNP rs978007265, ClinGen allele CA412176189.
Genomic context (GRCh38, chr22:50,219,956, plus strand): 5'-AACCTAGAGGGACAGAGCCCTCCCTGCCTGCTGTGGGACCCCCAGGCTGCATCCACCTAA[C>G]CTGTGAGTTGAGAGGCCAATTTGGAGAGAGGTCCTCAGTGTCCCCGCTCCTCCCAGGGCC-3'

ClinVar aggregate classification (germline): Likely pathogenic (1 of 4 stars; one submission).

Submission:

Labcorp Genetics (formerly Invitae), Labcorp
Classification: Likely pathogenic. Last evaluated: 2022-03-10. Review status: criteria provided, single submitter. Criteria: Invitae Variant Classification Sherloc (09022015). Collection method: clinical testing. Allele origin: germline.
Comment: In summary, the currently available evidence indicates that the variant is pathogenic, but additional data are needed to prove that conclusively. Therefore, this variant has been classified as Likely Pathogenic. Algorithms developed to predict the effect of sequence changes on RNA splicing suggest that this variant may disrupt the consensus splice site. ClinVar contains an entry for this variant (Variation ID: 969785). This variant has not been reported in the literature in individuals affected with TUBGCP6-related conditions. This variant is not present in population databases (gnomAD no frequency). This sequence change affects a donor splice site in intron 17 of the TUBGCP6 gene. It is expected to disrupt RNA splicing. Variants that disrupt the donor or acceptor splice site typically lead to a loss of protein function (PMID: 16199547), and loss-of-function variants in TUBGCP6 are known to be pathogenic (PMID: 25344692).

Literature cited by the submitters: PubMed 16199547; PubMed 25344692.